The following is an entry in ClinVar:

NM_201384.3(PLEC):c.3725A>G (p.Gln1242Arg)

Gene: PLEC (plectin; minus strand). Cytogenetic location: 8q24.3.
Variant type: single nucleotide variant.
Coding change: c.3725A>G on transcript NM_201384.3 (MANE Select); coding-DNA position 3725, A replaced by G.
Protein change: p.Gln1242Arg; replaces glutamine 1242 with arginine.
Molecular consequence: missense variant.
Genome position (GRCh38, 1-based): chr8:143,927,441, T>C on the plus strand (A>G on the coding strand, the complement: PLEC is on the minus strand). VCF-style: chr8-143927441-T-C. GRCh37 (hg19) VCF-style: chr8-145001609-T-C.
Other names: c.3806A>G, p.Gln1269Arg (NM_000445.5, NM_001410941.1); c.3683A>G, p.Gln1228Arg (NM_201378.4); c.3659A>G, p.Gln1220Arg (NM_201379.3); c.4136A>G, p.Gln1379Arg (NM_201380.4); c.3629A>G, p.Gln1210Arg (NM_201381.3); c.3725A>G, p.Gln1242Arg (NM_201382.4); c.3737A>G, p.Gln1246Arg (NM_201383.3); short protein forms Q1220R, Q1242R, Q1269R, Q1210R, Q1228R, Q1246R, Q1379R.
Identifiers: ClinVar variation 2160538 (VCV002160538.4), dbSNP rs782460328, ClinGen allele CA4926974.
Genomic context (GRCh38, chr8:143,927,441, plus strand): 5'-CCGCCCCGTCCCCACCGACCCAAGCCCACCTGCTCCTGCCGCAGCTGCTCCCGCACAGCC[T>C]GGCTGTCGGCCAGCGGCATGGCCTGGATCTGCTCCTGCCGCCGCCTGGCGTCCTGCAGCC-3'
Protein context (NP_958786.1, residues 1232-1252): QIQAMPLADS[Gln1242Arg]AVREQLRQEQ

ClinVar aggregate classification (germline): Uncertain significance (1 of 4 stars; one submission).

Conditions:
Epidermolysis bullosa simplex with nail dystrophy (EBS5D). Identifiers: MedGen C4225309, MONDO:0014661, OMIM 616487.
Epidermolysis bullosa simplex 5B, with muscular dystrophy (EBS5B). Also called: EPIDERMOLYSIS BULLOSA SIMPLEX AND LIMB-GIRDLE MUSCULAR DYSTROPHY; Epidermolysis bullosa simplex with muscular dystrophy. Identifiers: Orphanet 257, MedGen C2931072, MONDO:0009181, OMIM 226670.
Epidermolysis bullosa simplex, Ogna type (EBS5A). Also called: Pidermolysis bullosa simplex 5A, Ogna type; EPIDERMOLYSIS BULLOSA SIMPLEX 5A, OGNA TYPE. Identifiers: Orphanet 79401, MedGen C0432317, MONDO:0007555, OMIM 131950.
Autosomal recessive limb-girdle muscular dystrophy type 2Q (LGMDR17). Also called: MUSCULAR DYSTROPHY, LIMB-GIRDLE, AUTOSOMAL RECESSIVE 17. Identifiers: Orphanet 254361, MedGen C3150989, MONDO:0013390, OMIM 613723.
Epidermolysis bullosa simplex 5C, with pyloric atresia (EBS5C). Also called: Epidermolysis bullosa simplex with pyloric atresia; PLEC-Related Epidermolysis Bullosa with Pyloric Atresia; PLEC1-Related Epidermolysis Bullosa with Pyloric Atresia. Identifiers: Orphanet 158684, MedGen C2677349, MONDO:0012807, OMIM 612138.

Allele frequency attached by ClinVar (database versions not stated): gnomAD exomes 0.00001; ExAC 0.00004.
gnomAD v4.1: 20 of 1,599,726 alleles (0.0013%); highest among the groups gnomAD compares: South Asian, 0.021%; no homozygotes.

Submission:

Labcorp Genetics (formerly Invitae), Labcorp
Classification: Uncertain significance for Autosomal recessive limb-girdle muscular dystrophy type 2Q; Epidermolysis bullosa simplex, Ogna type; Epidermolysis bullosa simplex with nail dystrophy; Epidermolysis bullosa simplex 5C, with pyloric atresia; Epidermolysis bullosa simplex 5B, with muscular dystrophy. Last evaluated: 2024-12-03. Review status: criteria provided, single submitter. Criteria: Invitae Variant Classification Sherloc (09022015). Collection method: clinical testing. Allele origin: germline.
Comment: This sequence change replaces glutamine, which is neutral and polar, with arginine, which is basic and polar, at codon 1269 of the PLEC protein (p.Gln1269Arg). This variant is present in population databases (rs782460328, gnomAD 0.03%). This variant has not been reported in the literature in individuals affected with PLEC-related conditions. ClinVar contains an entry for this variant (Variation ID: 2160538). Invitae Evidence Modeling of protein sequence and biophysical properties (such as structural, functional, and spatial information, amino acid conservation, physicochemical variation, residue mobility, and thermodynamic stability) indicates that this missense variant is not expected to disrupt PLEC protein function with a negative predictive value of 80%. In summary, the available evidence is currently insufficient to determine the role of this variant in disease. Therefore, it has been classified as a Variant of Uncertain Significance.